The following is an entry in ClinVar:

NM_004568.6(SERPINB6):c.431-76G>C

Gene: SERPINB6 (serpin family B member 6; minus strand). Cytogenetic location: 6p25.2.
Variant type: single nucleotide variant.
Coding change: c.431-76G>C on transcript NM_004568.6 (MANE Select); 76 bases into the intron before coding-DNA position 431, G replaced by C.
Molecular consequence: intron variant.
Genome position (GRCh38, 1-based): chr6:2,953,262, C>G on the plus strand (G>C on the coding strand, the complement: SERPINB6 is on the minus strand). VCF-style: chr6-2953262-C-G. GRCh37 (hg19) VCF-style: chr6-2953496-C-G.
Other names: c.431-76G>C (NM_001297700.2, NM_001271824.2, NM_001297699.2 and 2 more transcripts); c.443-76G>C (NM_001195291.3, NM_001374515.1); c.473-76G>C (NM_001271822.2); c.488-76G>C (NM_001271823.2); c.299-76G>C (NM_001374517.1).
Identifiers: ClinVar variation 682785 (VCV000682785.1), dbSNP rs12209811, ClinGen allele CA16251874.

ClinVar aggregate classification (germline): Benign (1 of 4 stars; one submission).

Allele frequency attached by ClinVar (database versions not stated): TOPMed 0.20611; gnomAD 0.21275 and 0.21596; 1000 Genomes Project 30x 0.21658; 1000 Genomes Project 0.21685.
gnomAD v4.1: 259,567 of 1,594,986 alleles (16%); highest among the groups gnomAD compares: African/African-American, 37%; 23,557 homozygotes.

Submission:

GeneDx
Classification: Benign. Last evaluated: 2018-06-13. Review status: criteria provided, single submitter. Criteria: GeneDx Variant Classification (06012015). Collection method: clinical testing. Allele origin: germline. Affected: yes.
Comment: This variant is considered likely benign or benign based on one or more of the following criteria: it is a conservative change, it occurs at a poorly conserved position in the protein, it is predicted to be benign by multiple in silico algorithms, and/or has population frequency not consistent with disease.